The following is an entry in ClinVar:

ClinVar aggregate classification (germline): Uncertain significance (1 of 4 stars; one submission).

Conditions:
Cystic fibrosis (CF). Also called: MUCOVISCIDOSIS. Identifiers: Orphanet 586, MedGen C0010674, MONDO:0009061, OMIM 219700. Disease mechanism: loss of function.

gnomAD v4.1: 2 of 1,610,946 alleles (0.00012%); highest among the groups gnomAD compares: South Asian, 0.0011%; no homozygotes.

Submission:

Labcorp Genetics (formerly Invitae), Labcorp
Classification: Uncertain significance for Cystic fibrosis. Last evaluated: 2024-11-22. Review status: criteria provided, single submitter. Criteria: Invitae Variant Classification Sherloc (09022015). Collection method: clinical testing. Allele origin: germline.
Comment: This sequence change replaces serine, which is neutral and polar, with threonine, which is neutral and polar, at codon 1150 of the CFTR protein (p.Ser1150Thr). This variant is not present in population databases (gnomAD no frequency). This variant has not been reported in the literature in individuals affected with CFTR-related conditions. ClinVar contains an entry for this variant (Variation ID: 853481). Invitae Evidence Modeling of protein sequence and biophysical properties (such as structural, functional, and spatial information, amino acid conservation, physicochemical variation, residue mobility, and thermodynamic stability) indicates that this missense variant is expected to disrupt CFTR protein function with a positive predictive value of 80%. In summary, the available evidence is currently insufficient to determine the role of this variant in disease. Therefore, it has been classified as a Variant of Uncertain Significance.

NM_000492.4(CFTR):c.3449G>C (p.Ser1150Thr)

Genes: CFTR (CF transmembrane conductance regulator; plus strand), CFTR-AS2 (CFTR antisense RNA 2; minus strand). Cytogenetic location: 7q31.2.
Variant type: single nucleotide variant.
Coding change: c.3449G>C on transcript NM_000492.4 (MANE Select); coding-DNA position 3449, G replaced by C.
Protein change: p.Ser1150Thr; replaces serine 1150 with threonine.
Molecular consequence: missense variant.
Genome position (GRCh38, 1-based): chr7:117,614,694, G>C. VCF-style: chr7-117614694-G-C. GRCh37 (hg19) VCF-style: chr7-117254748-G-C.
Other names: short protein forms S1150T.
Identifiers: ClinVar variation 853481 (VCV000853481.9), dbSNP rs1792458131, ClinGen allele CA368993669.